The following is an entry in ClinVar:

ClinVar aggregate classification (germline): Benign/Likely benign. Review status: criteria provided, multiple submitters, no conflicts (2 of 4 stars). 6 submissions from 6 submitters: Benign (4); Likely benign (1). 1 of the submissions does not count toward it. Last evaluated 2026-02-03.

Conditions:
DNAH9-related disorder. Also called: DNAH9-related condition.

Allele frequency attached by ClinVar (database versions not stated): gnomAD exomes 0.01723 and 0.04088; ExAC 0.04437; gnomAD 0.08463 and 0.08746; ESP Exome Variant Server 0.08573; TOPMed 0.09422; 1000 Genomes Project 0.11482; 1000 Genomes Project 30x 0.11930.
gnomAD v4.1: 38,849 of 1,613,916 alleles (2.4%); highest among the groups gnomAD compares: African/African-American, 26%; 3,175 homozygotes.

Submissions (6):

Labcorp Genetics (formerly Invitae), Labcorp
Classification: Benign. Last evaluated: 2026-02-03. Review status: criteria provided, single submitter. Criteria: Invitae Variant Classification Sherloc (09022015). Collection method: clinical testing. Allele origin: germline.

Blueprint Genetics
Classification: Likely benign. Last evaluated: 2024-11-27. Review status: criteria provided, single submitter. Criteria: ACMG Guidelines, 2015. Collection method: clinical testing. Allele origin: germline.

Mayo Clinic Laboratories, Mayo Clinic
Classification: Benign. Last evaluated: 2023-02-18. Review status: criteria provided, single submitter. Criteria: ACMG Guidelines, 2015. Collection method: clinical testing. Allele origin: germline. Observed: 17 variant alleles.

GeneDx
Classification: Benign. Last evaluated: 2021-05-04. Review status: criteria provided, single submitter. Criteria: GeneDx Variant Classification Process June 2021. Collection method: clinical testing. Allele origin: germline. Affected: yes.

Breakthrough Genomics
Classification: Benign. Review status: criteria provided, single submitter. Criteria: ACMG Guidelines, 2015. Collection method: not provided. Allele origin: germline. Inheritance: Autosomal recessive inheritance. Affected: yes.

PreventionGenetics, part of Exact Sciences
Classification: Benign for DNAH9-related condition. Last evaluated: 2019-05-28. Review status: no assertion criteria provided. Collection method: clinical testing. Allele origin: germline. Not counted in ClinVar's aggregate classification.
Comment: This variant is classified as benign based on ACMG/AMP sequence variant interpretation guidelines (Richards et al. 2015 PMID: 25741868, with internal and published modifications).

NM_001372.4(DNAH9):c.7314G>C (p.Gln2438His)

Gene: DNAH9 (dynein axonemal heavy chain 9; plus strand). Cytogenetic location: 17p12.
Variant type: single nucleotide variant.
Coding change: c.7314G>C on transcript NM_001372.4 (MANE Select); coding-DNA position 7314, G replaced by C.
Protein change: p.Gln2438His; replaces glutamine 2438 with histidine.
Molecular consequence: missense variant.
Genome position (GRCh38, 1-based): chr17:11,768,596, G>C. VCF-style: chr17-11768596-G-C. GRCh37 (hg19) VCF-style: chr17-11671913-G-C.
Other names: p.Gln2438His; short protein forms Q2438H.
Identifiers: ClinVar variation 1259156 (VCV001259156.15), dbSNP rs2277658, ClinGen allele CA8396575.